The following is an entry in ClinVar:

NM_013382.7(POMT2):c.296G>T (p.Arg99Leu)

Gene: POMT2 (protein O-mannosyltransferase 2; minus strand). Cytogenetic location: 14q24.3.
Variant type: single nucleotide variant.
Coding change: c.296G>T on transcript NM_013382.7 (MANE Select); coding-DNA position 296, G replaced by T.
Protein change: p.Arg99Leu; replaces arginine 99 with leucine.
Molecular consequence: missense variant.
Genome position (GRCh38, 1-based): chr14:77,311,986, C>A on the plus strand (G>T on the coding strand, the complement: POMT2 is on the minus strand). VCF-style: chr14-77311986-C-A. GRCh37 (hg19) VCF-style: chr14-77778329-C-A.
Other names: short protein forms R99L.
Identifiers: ClinVar variation 3896960 (VCV003896960.1).

ClinVar aggregate classification (germline): Likely pathogenic (1 of 4 stars; one submission).

Conditions:
Autosomal recessive limb-girdle muscular dystrophy type 2N. Also called: MUSCULAR DYSTROPHY-DYSTROGLYCANOPATHY, LIMB-GIRDLE, POMT2-RELATED; Muscular dystrophy-dystroglycanopathy (limb-girdle), type C, 2. Identifiers: Orphanet 206559, MedGen C3150418, MONDO:0013162, OMIM 613158.

gnomAD v4.1: 1 of 1,613,976 alleles (0.000062%); highest among the groups gnomAD compares: Non-Finnish European, 0.000085%; no homozygotes.

Submission:

Kariminejad - Najmabadi Pathology & Genetics Center
Classification: Likely pathogenic for Autosomal recessive limb-girdle muscular dystrophy type 2N. Last evaluated: 2024-03-12. Review status: criteria provided, single submitter. Criteria: ACMG Guidelines, 2015. Collection method: clinical testing. Allele origin: germline. Inheritance: Autosomal recessive inheritance. Affected: yes.
Comment: (PM2_Moderate,PM5_Moderate,PP3_Moderate)